The following is an entry in ClinVar:

NM_014625.4(NPHS2):c.166G>T (p.Glu56Ter)

Gene: NPHS2 (NPHS2 stomatin family member, podocin; minus strand). Cytogenetic location: 1q25.2.
Variant type: single nucleotide variant.
Coding change: c.166G>T on transcript NM_014625.4 (MANE Select); coding-DNA position 166, G replaced by T.
Protein change: p.Glu56Ter; replaces glutamic acid 56 with a stop codon.
Molecular consequence: nonsense.
Genome position (GRCh38, 1-based): chr1:179,575,699, C>A on the plus strand (G>T on the coding strand, the complement: NPHS2 is on the minus strand). VCF-style: chr1-179575699-C-A. GRCh37 (hg19) VCF-style: chr1-179544834-C-A.
Other names: c.166G>T, p.Glu56Ter (NM_001297575.2); short protein forms E56*.
Identifiers: ClinVar variation 555448 (VCV000555448.7), dbSNP rs1167223941, ClinGen allele CA343553305.

ClinVar aggregate classification (germline): Pathogenic/Likely pathogenic. Review status: criteria provided, multiple submitters, no conflicts (2 of 4 stars). 3 submissions from 3 submitters: Pathogenic (1); Likely pathogenic (1). 1 of the submissions does not count toward it. Last evaluated 2023-04-06.

Conditions:
Nephrotic syndrome, type 2 (NPHS2). Also called: NEPHROTIC SYNDROME, STEROID-RESISTANT, AUTOSOMAL RECESSIVE. Identifiers: Orphanet 656, MedGen C1868672, MONDO:0010974, OMIM 600995.

gnomAD v4.1: 1 of 1,573,688 alleles (0.000064%); no homozygotes.

Submissions (3):

Labcorp Genetics (formerly Invitae), Labcorp
Classification: Pathogenic. Last evaluated: 2023-04-06. Review status: criteria provided, single submitter. Criteria: Invitae Variant Classification Sherloc (09022015). Collection method: clinical testing. Allele origin: germline.
Comment: For these reasons, this variant has been classified as Pathogenic. This variant has not been reported in the literature in individuals affected with NPHS2-related conditions. This sequence change creates a premature translational stop signal (p.Glu56*) in the NPHS2 gene. It is expected to result in an absent or disrupted protein product. Loss-of-function variants in NPHS2 are known to be pathogenic (PMID: 10742096, 14701729, 15253708, 23595123). This variant is not present in population databases (gnomAD no frequency). ClinVar contains an entry for this variant (Variation ID: 555448).

Juno Genomics, Hangzhou Juno Genomics, Inc
Classification: Likely pathogenic for Nephrotic syndrome, type 2. Review status: criteria provided, single submitter. Criteria: ACMG Guidelines, 2015. Collection method: clinical testing. Allele origin: germline. Affected: yes.
Comment: Null variant in a gene where loss of function (LOF) is a known mechanism of disease.;Absent from controls (or at extremely low frequency if recessive) in Genome Aggregation Database, Exome Sequencing Project, 1000 Genomes Project, or Exome Aggregation Consortium.

Counsyl
Classification: Likely pathogenic for Nephrotic syndrome, type 2. Last evaluated: 2017-12-05. Review status: no assertion criteria provided. Collection method: clinical testing. Allele origin: unknown. Not counted in ClinVar's aggregate classification.

Literature cited by the submitters: PubMed 10742096 (cited by Labcorp Genetics (formerly Invitae), Labcorp); PubMed 14701729 (cited by Labcorp Genetics (formerly Invitae), Labcorp); PubMed 15253708 (cited by Labcorp Genetics (formerly Invitae), Labcorp); PubMed 23595123 (cited by Labcorp Genetics (formerly Invitae), Labcorp).